The following is an entry in ClinVar:

ClinVar aggregate classification (germline): Likely benign. Review status: criteria provided, single submitter (1 of 4 stars). 2 submissions from 2 submitters: Likely benign (1). 1 of the submissions does not count toward it. Last evaluated 2024-09-27.

Conditions:
SETD1B-related disorder. Also called: SETD1B-related condition.

Allele frequency attached by ClinVar (database versions not stated): gnomAD 0.00002; TOPMed 0.00004; ExAC 0.00005; gnomAD exomes 0.00008; ESP Exome Variant Server 0.00022.
gnomAD v4.1: 114 of 1,551,554 alleles (0.0073%); highest among the groups gnomAD compares: Non-Finnish European, 0.0096%; no homozygotes.

Submissions (2):

Blueprint Genetics
Classification: Likely benign. Last evaluated: 2024-09-27. Review status: criteria provided, single submitter. Criteria: ACMG Guidelines, 2015. Collection method: clinical testing. Allele origin: germline.

PreventionGenetics, part of Exact Sciences
Classification: Likely benign for SETD1B-related condition. Last evaluated: 2019-05-02. Review status: no assertion criteria provided. Collection method: clinical testing. Allele origin: germline. Not counted in ClinVar's aggregate classification.
Comment: This variant is classified as likely benign based on ACMG/AMP sequence variant interpretation guidelines (Richards et al. 2015 PMID: 25741868, with internal and published modifications).

NM_001353345.2(SETD1B):c.408C>T (p.Tyr136=)

Gene: SETD1B (SET domain containing 1B, histone lysine methyltransferase; plus strand). Cytogenetic location: 12q24.31.
Variant type: single nucleotide variant.
Coding change: c.408C>T on transcript NM_001353345.2 (MANE Select); coding-DNA position 408, C replaced by T.
Protein change: p.Tyr136=; no amino-acid change (tyrosine 136 retained).
Molecular consequence: synonymous variant.
Genome position (GRCh38, 1-based): chr12:121,805,969, C>T. VCF-style: chr12-121805969-C-T. GRCh37 (hg19) VCF-style: chr12-122243875-C-T.
Other names: NM_015048.1:c.408C>T.
Identifiers: ClinVar variation 3037185 (VCV003037185.3), dbSNP rs374648258, ClinGen allele CA6838766.